The following is an entry in ClinVar:

ClinVar aggregate classification (germline): Uncertain significance (1 of 4 stars; one submission).

Submission:

Laboratory for Molecular Medicine, Mass General Brigham Personalized Medicine
Classification: Uncertain significance. Last evaluated: 2015-06-04. Review status: criteria provided, single submitter. Criteria: LMM Criteria. Collection method: clinical testing. Allele origin: germline. Observed: 1 variant allele.
Comment: The p.Arg1316Arg variant in TRIOBP has not been previously reported in individua ls with hearing loss. Data from large population studies are insufficient to ass ess the frequency of this variant. This variant is located in the first base of the exon, which is part of the 3? splice region. Computational tools do not pred ict altered splicing. However, this information is not predictive enough to rule out pathogenicity. In summary, the clinical significance of the p.Arg1316Arg va riant is uncertain.

NM_001039141.3(TRIOBP):c.3948G>A (p.Arg1316=)

Gene: TRIOBP (TRIO and F-actin binding protein; plus strand). Cytogenetic location: 22q13.1.
Variant type: single nucleotide variant.
Coding change: c.3948G>A on transcript NM_001039141.3 (MANE Select); coding-DNA position 3948, G replaced by A.
Protein change: p.Arg1316=; no amino-acid change (arginine 1316 retained).
Molecular consequence: synonymous variant.
Genome position (GRCh38, 1-based): chr22:37,733,298, G>A. VCF-style: chr22-37733298-G-A. GRCh37 (hg19) VCF-style: chr22-38129305-G-A.
Identifiers: ClinVar variation 229353 (VCV000229353.5), dbSNP rs876658036, ClinGen allele CA10577143.